The following is an entry in ClinVar:

ClinVar aggregate classification (germline): Likely benign (1 of 4 stars; one submission).

Submission:

CeGaT Center for Human Genetics Tuebingen
Classification: Likely benign. Last evaluated: 2025-01-01. Review status: criteria provided, single submitter. Criteria: CeGaT Center For Human Genetics Tuebingen Variant Classification Criteria Version 2. Collection method: clinical testing. Allele origin: germline. Affected: yes. Observed: 1 variant allele.
Comment: TNFRSF4: BP4, BP7

NM_003327.4(TNFRSF4):c.*32G>A

Gene: TNFRSF4 (TNF receptor superfamily member 4; minus strand). Cytogenetic location: 1p36.33.
Variant type: single nucleotide variant.
Coding change: c.*32G>A on transcript NM_003327.4 (MANE Select); 32 bases downstream of the stop codon, G replaced by A.
Molecular consequence: 3 prime UTR variant.
Genome position (GRCh38, 1-based): chr1:1,211,523, C>T on the plus strand (G>A on the coding strand, the complement: TNFRSF4 is on the minus strand). VCF-style: chr1-1211523-C-T. GRCh37 (hg19) VCF-style: chr1-1146903-C-T.
Other names: c.*32G>A (NM_001410709.1).
Identifiers: ClinVar variation 3771964 (VCV003771964.13).